The following is an entry in ClinVar:

NM_000379.4(XDH):c.826C>T (p.Pro276Ser)

Gene: XDH (xanthine dehydrogenase; minus strand). Cytogenetic location: 2p23.1.
Variant type: single nucleotide variant.
Coding change: c.826C>T on transcript NM_000379.4 (MANE Select); coding-DNA position 826, C replaced by T.
Protein change: p.Pro276Ser; replaces proline 276 with serine.
Molecular consequence: missense variant.
Genome position (GRCh38, 1-based): chr2:31,383,815, G>A on the plus strand (C>T on the coding strand, the complement: XDH is on the minus strand). VCF-style: chr2-31383815-G-A. GRCh37 (hg19) VCF-style: chr2-31606681-G-A.
Other names: short protein forms P276S.
Identifiers: ClinVar variation 1409406 (VCV001409406.7), dbSNP rs1442917442, ClinGen allele CA346509861.
Genomic context (GRCh38, chr2:31,383,815, plus strand): 5'-CGTCGGGTCCATGTTCTACCGAATTCAGCTCAGGGATCCAGGCTGGGCAGACAATCATAG[G>A]AAACAGCATATTCTTGAACTTCATCTCAATGCCTAGAGAGAAACAAGAAGCTGAAGTTGT-3'
Protein context (NP_000370.2, residues 266-286): IEMKFKNMLF[Pro276Ser]MIVCPAWIPE

ClinVar aggregate classification (germline): Uncertain significance. Review status: criteria provided, multiple submitters, no conflicts (2 of 4 stars). 2 submissions from 2 submitters: Uncertain significance (2). Last evaluated 2022-02-10.

Conditions:
Xanthinuria type II. Also called: Xanthine dehydrogenase and aldehyde oxidase combined deficiency of; XDH and AOX dual deficiency. Identifiers: Orphanet 3467, Orphanet 93602, MedGen C1863688, MONDO:0011346, OMIM 603592.
Hereditary xanthinuria type 1 (XAN1). Identifiers: Orphanet 3467, Orphanet 93601, MedGen C0268118, MONDO:0010209, OMIM 278300.

Allele frequency attached by ClinVar (database versions not stated): gnomAD exomes below 0.00001 and 0.00001; gnomAD 0.00001; TOPMed 0.00001.
gnomAD v4.1: 13 of 1,613,968 alleles (0.00081%); highest among the groups gnomAD compares: Non-Finnish European, 0.0011%; no homozygotes.

Submissions (2):

Labcorp Genetics (formerly Invitae), Labcorp
Classification: Uncertain significance for Xanthinuria type II. Last evaluated: 2022-02-10. Review status: criteria provided, single submitter. Criteria: Invitae Variant Classification Sherloc (09022015). Collection method: clinical testing. Allele origin: germline.
Comment: In summary, the available evidence is currently insufficient to determine the role of this variant in disease. Therefore, it has been classified as a Variant of Uncertain Significance. Algorithms developed to predict the effect of missense changes on protein structure and function are either unavailable or do not agree on the potential impact of this missense change (SIFT: "Deleterious"; PolyPhen-2: "Possibly Damaging"; Align-GVGD: "Class C0"). This variant has not been reported in the literature in individuals affected with XDH-related conditions. This variant is present in population databases (no rsID available, gnomAD 0.0009%). This sequence change replaces proline, which is neutral and non-polar, with serine, which is neutral and polar, at codon 276 of the XDH protein (p.Pro276Ser).

Fulgent Genetics
Classification: Uncertain significance for Hereditary xanthinuria type 1. Last evaluated: 2021-07-22. Review status: criteria provided, single submitter. Criteria: ACMG Guidelines, 2015. Collection method: clinical testing. Allele origin: unknown.